The following is an entry in ClinVar:

ClinVar aggregate classification (germline): Uncertain significance (1 of 4 stars; one submission).

Allele frequency attached by ClinVar (database versions not stated): gnomAD 0.00001; ESP Exome Variant Server 0.00008.
gnomAD v4.1: 4 of 1,613,966 alleles (0.00025%); highest among the groups gnomAD compares: African/African-American, 0.0053%; no homozygotes.

Submission:

Labcorp Genetics (formerly Invitae), Labcorp
Classification: Uncertain significance. Last evaluated: 2020-10-21. Review status: criteria provided, single submitter. Criteria: Invitae Variant Classification Sherloc (09022015). Collection method: clinical testing. Allele origin: germline.
Comment: In summary, the available evidence is currently insufficient to determine the role of this variant in disease. Therefore, it has been classified as a Variant of Uncertain Significance. Algorithms developed to predict the effect of missense changes on protein structure and function are either unavailable or do not agree on the potential impact of this missense change (SIFT: "Deleterious"; PolyPhen-2: "Possibly Damaging"; Align-GVGD: "Class C0"). This variant has not been reported in the literature in individuals with C8A-related conditions. This variant is present in population databases (rs374941732, ExAC 0.01%). This sequence change replaces glycine with arginine at codon 396 of the C8A protein (p.Gly396Arg). The glycine residue is highly conserved and there is a moderate physicochemical difference between glycine and arginine.

NM_000562.3(C8A):c.1186G>C (p.Gly396Arg)

Gene: C8A (complement C8 alpha chain; plus strand). Cytogenetic location: 1p32.2.
Variant type: single nucleotide variant.
Coding change: c.1186G>C on transcript NM_000562.3 (MANE Select); coding-DNA position 1186, G replaced by C.
Protein change: p.Gly396Arg; replaces glycine 396 with arginine.
Molecular consequence: missense variant.
Genome position (GRCh38, 1-based): chr1:56,906,756, G>C. VCF-style: chr1-56906756-G-C. GRCh37 (hg19) VCF-style: chr1-57372429-G-C.
Other names: short protein forms G396R.
Identifiers: ClinVar variation 1417846 (VCV001417846.8), dbSNP rs374941732, ClinGen allele CA875270.